The following is an entry in ClinVar:

ClinVar aggregate classification (germline): Benign/Likely benign. Review status: criteria provided, multiple submitters, no conflicts (2 of 4 stars). 5 submissions from 5 submitters: Benign (2); Likely benign (2). 1 of the submissions does not count toward it. Last evaluated 2026-02-01.

Conditions:
RLBP1-related disorder. Also called: RLBP1-related condition; RLBP1-related disorders. Identifiers: MedGen CN239413.

Allele frequency attached by ClinVar (database versions not stated): gnomAD exomes 0.00018 and 0.00046; ExAC 0.00061; 1000 Genomes Project 0.00160; gnomAD 0.00179 and 0.00198; 1000 Genomes Project 30x 0.00187; TOPMed 0.00209; ESP Exome Variant Server 0.00231.
gnomAD v4.1: 529 of 1,614,200 alleles (0.033%); highest among the groups gnomAD compares: African/African-American, 0.67%; 2 homozygotes.

Submissions (5):

Labcorp Genetics (formerly Invitae), Labcorp
Classification: Benign. Last evaluated: 2026-02-01. Review status: criteria provided, single submitter. Criteria: Invitae Variant Classification Sherloc (09022015). Collection method: clinical testing. Allele origin: germline.

Blueprint Genetics
Classification: Benign. Last evaluated: 2024-03-12. Review status: criteria provided, single submitter. Criteria: ACMG Guidelines, 2015. Collection method: clinical testing. Allele origin: germline.

Eurofins Ntd Llc (ga)
Classification: Likely benign. Last evaluated: 2016-04-15. Review status: criteria provided, single submitter. Criteria: EGL Classification Definitions 2015. Collection method: clinical testing. Allele origin: germline. Observed: 1 variant allele, 1 heterozygote.

Breakthrough Genomics
Classification: Likely benign. Review status: criteria provided, single submitter. Criteria: ACMG Guidelines, 2015. Collection method: not provided. Allele origin: germline. Inheritance: Autosomal recessive inheritance. Affected: yes.

PreventionGenetics, part of Exact Sciences
Classification: Likely benign for RLBP1-related condition. Last evaluated: 2019-11-14. Review status: no assertion criteria provided. Collection method: clinical testing. Allele origin: germline. Not counted in ClinVar's aggregate classification.
Comment: This variant is classified as likely benign based on ACMG/AMP sequence variant interpretation guidelines (Richards et al. 2015 PMID: 25741868, with internal and published modifications).

NM_000326.5(RLBP1):c.817C>T (p.Leu273Phe)

Gene: RLBP1 (retinaldehyde binding protein 1; minus strand). Cytogenetic location: 15q26.1.
Variant type: single nucleotide variant.
Coding change: c.817C>T on transcript NM_000326.5 (MANE Select); coding-DNA position 817, C replaced by T.
Protein change: p.Leu273Phe; replaces leucine 273 with phenylalanine.
Molecular consequence: missense variant.
Genome position (GRCh38, 1-based): chr15:89,210,422, G>A on the plus strand (C>T on the coding strand, the complement: RLBP1 is on the minus strand). VCF-style: chr15-89210422-G-A. GRCh37 (hg19) VCF-style: chr15-89753653-G-A.
Other names: short protein forms L273F.
Identifiers: ClinVar variation 286543 (VCV000286543.19), dbSNP rs140570189, ClinGen allele CA7722164.